The following continues an entry in ClinVar:

NM_000363.5(TNNI3):c.575G>A (p.Arg192His)

Gene: TNNI3. ClinVar aggregate classification (germline): Pathogenic. Pathogenic (1).

Submissions 7 to 15 of 15:

Neuberg Centre For Genomic Medicine, NCGM
Classification: Pathogenic for Cardiomyopathy, familial restrictive, 1. Last evaluated: 2023-02-14. Review status: criteria provided, single submitter. Criteria: ACMG Guidelines, 2015. Collection method: clinical testing. Allele origin: germline. Inheritance: Autosomal dominant inheritance. Affected: yes. Not counted in ClinVar's aggregate classification.
Comment: The missense c.575G>A(p.Arg192His) variant in TNNI3 gene has been reported previously in heterozygous state in multiple individuals affected with restrictive cardiomyopathy (Kohda M, et. al., 2016; Rai TS, et. al., 2009; Mogensen J, et. al., 2003). Experimental studies have shown that this missense change affects TNNI3 function (Liu B, et. al., 2012; Du J, et. al., 2006). The p.Arg192His variant is novel (not in any individuals) in gnomAD Exomes and 1000 Genomes. This variant has been reported to the ClinVar database as Likely Pathogenic / Pathogenic (multiple submissions). The amino acid change p.Arg192His in TNNI3 is predicted as conserved by GERP++ and PhyloP across 100 vertebrates. The amino acid Arg at position 192 is changed to a His changing protein sequence and it might alter its composition and physico-chemical properties. For these reasons, this variant has been classified as Pathogenic.

Baylor Genetics
Classification: Pathogenic for SUDDEN INFANT DEATH SYNDROME. Last evaluated: 2022-08-08. Review status: criteria provided, single submitter. Criteria: ACMG Guidelines, 2015. Collection method: clinical testing. Allele origin: unknown. Not counted in ClinVar's aggregate classification.

AiLife Diagnostics
Classification: Pathogenic. Last evaluated: 2021-10-19. Review status: criteria provided, single submitter. Criteria: ACMG Guidelines, 2015. Collection method: clinical testing. Allele origin: germline. Affected: yes. Observed: 2 variant alleles. Not counted in ClinVar's aggregate classification.

Victorian Clinical Genetics Services, Murdoch Childrens Research Institute
Classification: Pathogenic for Cardiomyopathy, familial restrictive, 1. Last evaluated: 2021-05-06. Review status: criteria provided, single submitter. Criteria: ACMG Guidelines, 2015. Collection method: clinical testing. Allele origin: germline. Inheritance: Autosomal dominant inheritance. Not counted in ClinVar's aggregate classification.
Comment: Based on the classification scheme VCGS_Germline_v1.3.4, this variant is classified as Pathogenic. Following criteria are met: 0103 - Gain of function and loss of function are known mechanisms of disease in this gene. The former is associated with familial restrictive cardiomyopathy 1 (MIM#115210) and hypertrophic cardiomyopathy 7 (MIM#613690), while the latter is associated with dilated cardiomyopathy 1FF (MIM#613286) (PMIDs: 19914256, 21533915). (I) 0108 - This gene is associated with both recessive and dominant disease. The recessive form of inheritance is the exception and has only been reported in a couple of families (PMIDs: 15070570, 23270746). (I) 0112 - The condition associated with this gene has incomplete penetrance (PMID: 15607392). (I) 0115 - Variants in this gene are known to have variable expressivity (PMID: 23270746). (I) 0200 - Variant is predicted to result in a missense amino acid change from arginine to histidine. (I) 0251 - This variant is heterozygous. (I) 0301 - Variant is absent from gnomAD (both v2 and v3). (SP) 0501 - Missense variant consistently predicted to be damaging by multiple in silico tools or highly conserved with a major amino acid change. (SP) 0604 - Variant is not located in an established domain, motif, hotspot or informative constraint region. (I) 0801 - This variant has strong previous evidence of pathogenicity in unrelated individuals. It has been reported in multiple individuals with restrictive cardiomyopathy or hypertrophic cardiomyopathy, often as de novo or likely de novo (ClinVar). (SP) Legend: (SP) - Supporting pathogenic, (I) - Information, (SB) - Supporting benign

Laboratory for Molecular Medicine, Mass General Brigham Personalized Medicine
Classification: Pathogenic for Hypertrophic cardiomyopathy; Restrictive cardiomyopathy. Last evaluated: 2019-05-02. Review status: criteria provided, single submitter. Criteria: LMM Criteria. Collection method: clinical testing. Allele origin: germline. Inheritance: Autosomal dominant inheritance. Observed: 9 variant alleles. Not counted in ClinVar's aggregate classification.
Comment: The p.Arg192His variant in TNNI3 has been reported in 9 individuals with predominantly childhood onset RCM or HCM and occurred de novo in 4 of these cases (Mogensen 2003, Gomes 2005, Rai 2009, Yang 2013, LMM data). This variant has not been identified in large population studies. In vitro studies have shown that the p.Arg192His variant impacts protein function (Gomes 2005, Kobayashi 2006, Davis 2007, Mathur 2009, Davis 2010, Liu 2012) and mouse models of this variant develop a restrictive cardiomyopathy phenotype (Du 2006, Du 2008). Finally, other likely disease-causing variants at this position (p.Arg192Cys, p.Arg192Leu) have been identified in individuals with RCM and HCM (Millat 2010, van den Wijngaard 2011, LMM data). In summary, this variant meets criteria to be classified as pathogenic for autosomal dominant RCM and HCM. ACMG/AMP Criteria applied: PS3, PS4_Moderate, PM6_Strong, PM2, PM5.

Center for Advanced Laboratory Medicine, UC San Diego Health, University of California San Diego
Classification: Pathogenic for Restrictive cardiomyopathy. Last evaluated: 2018-01-03. Review status: criteria provided, single submitter. Criteria: ACMG Guidelines, 2015. Collection method: clinical testing. Allele origin: germline. Affected: yes. Observed: 1 variant allele. Not counted in ClinVar's aggregate classification.

Ambry Genetics
Classification: Pathogenic for Cardiovascular phenotype. Last evaluated: 2017-12-18. Review status: criteria provided, single submitter. Criteria: Ambry Variant Classification Scheme 2023. Collection method: clinical testing. Allele origin: germline. Not counted in ClinVar's aggregate classification.
Comment: The p.R192H pathogenic mutation (also known as c.575G>A), located in coding exon 8 of the TNNI3 gene, results from a G to A substitution at nucleotide position 575. The arginine at codon 192 is replaced by histidine, an amino acid with highly similar properties. This mutation has been reported in multiple individuals with restrictive cardiomyopathy and/or hypertrophic cardiomyopathy, often with a de novo or likely de novo origin (Mogensen J et al. J. Clin. Invest. 2003;111:209-16; Rai TS et al. Mol. Cell. Biochem. 2009;331:187-92; Alfares AA et al. Genet. Med. 2015;17:880-8; Chen Y et al. J Biomed Res. 2014;28:59-63; Thomas TO et al. Pediatr Transplant. 2015;19:E15-8; Kohda M et al. PLoS Genet. 2016;12:e1005679). Numerous in vitro functional assays, cardiomyocyte cell culture experiments, and mouse models have all indicated that p.R192H results in deficient function of the TNNI3 protein (e.g., Gomes AV et al. J. Biol. Chem. 2005;280:30909-15; Davis J et al. Circ. Res. 2007;100:1494-502; Du J et al. Am. J. Physiol. Heart Circ. Physiol. 2008;294:H2604-13; Liu B et al. PLoS ONE. 2012;7:e38259). In addition, two other alterations associated with RCM and/or HCM, p.R192C and p.R192L, have been described in the same codon (Millat G et al. Clin. Chim. Acta. 2010;411:1983-91; van den Wijngaard A et al. Neth Heart J. 2011;19:344-51; Alfares AA et al. Genet. Med. 2015;17:880-8). Based on the supporting evidence, this alteration is interpreted as a disease-causing mutation.

Neuberg Centre For Genomic Medicine, NCGM
Classification: Pathogenic for Dilated cardiomyopathy 2A. Review status: criteria provided, single submitter. Criteria: ACMG Guidelines, 2015. Collection method: clinical testing. Allele origin: germline. Inheritance: Autosomal dominant inheritance. Affected: yes. Not counted in ClinVar's aggregate classification.
Comment: The missense variant p.R192H in TNNI3 (NM_000363.5) causes the same amino acid change as a previously established pathogenic variant. The p.Arg192His variant in TNNI3 (NM_000363.5) has been reported in 9 individuals with predominantly childhood onset RCM or HCM and occurred de novo in 4 of these cases (Mogensen 2003, Gomes 2005, Rai 2009, Yang 2013). The p.R192H variant is novel (not in any individuals) in gnomAD Exomes and is novel (not in any individuals) in 1000 Genomes. The gene TNNI3 contains 38 pathogenic missense variants, indicating that missense variants are a common mechanism of disease in this gene. 9 variants within 6 amino acid positions of the variant p.R192H have been shown to be pathogenic, while none have been shown to be benign. The p.R192H missense variant is predicted to be damaging by both SIFT and PolyPhen2. The arginine residue at codon 192 of TNNI3 is conserved in all mammalian species. The nucleotide c.575 in TNNI3 is predicted conserved by GERP++ and PhyloP across 100 vertebrates. For these reasons, this variant has been classified as Pathogenic.

OMIM
Classification: Pathogenic for CARDIOMYOPATHY, FAMILIAL RESTRICTIVE, 1. Last evaluated: 2003-01-01. Review status: no assertion criteria provided. Collection method: literature only. Allele origin: germline. Not counted in ClinVar's aggregate classification.

Literature cited by the submitters: PubMed 12531876 (cited by 6 submitters); PubMed 25611685 (cited by 4 submitters); PubMed 16531415 (cited by 5 submitters); PubMed 17027633 (cited by 5 submitters); PubMed 17463320 (cited by 4 submitters); PubMed 18408133 (cited by 4 submitters); PubMed 18423659 (cited by 3 submitters); PubMed 19289050 (cited by 4 submitters); PubMed 20161772 (cited by 4 submitters); PubMed 22675533 (cited by 4 submitters); PubMed 19449150 (cited by 3 submitters); PubMed 15961398 (cited by 3 submitters); PubMed 29176140 (cited by AiLife Diagnostics); PubMed 30279906 (cited by AiLife Diagnostics); PubMed 29907873 (cited by AiLife Diagnostics); PubMed 21310275 (cited by AiLife Diagnostics); PubMed 31912959 (cited by AiLife Diagnostics); PubMed 27532257 (cited by AiLife Diagnostics); PubMed 15070570 (cited by Victorian Clinical Genetics Services, Murdoch Childrens Research Institute); PubMed 15607392 (cited by Victorian Clinical Genetics Services, Murdoch Childrens Research Institute); PubMed 19914256 (cited by Victorian Clinical Genetics Services, Murdoch Childrens Research Institute); PubMed 21533915 (cited by Victorian Clinical Genetics Services, Murdoch Childrens Research Institute and Ambry Genetics); PubMed 23270746 (cited by Victorian Clinical Genetics Services, Murdoch Childrens Research Institute); PubMed 23906401 (cited by Laboratory for Molecular Medicine, Mass General Brigham Personalized Medicine); PubMed 20800588 (cited by Ambry Genetics); PubMed 24474965 (cited by Ambry Genetics); PubMed 25440410 (cited by Ambry Genetics); PubMed 26741492 (cited by Ambry Genetics); PubMed 10098965 (cited by OMIM).